The following is an entry in ClinVar:

NM_024079.5(ALG8):c.802del (p.Arg268fs)

Gene: ALG8 (ALG8 alpha-1,3-glucosyltransferase; minus strand). Cytogenetic location: 11q14.1.
Variant type: Deletion.
Coding change: c.802del on transcript NM_024079.5 (MANE Select); coding-DNA position 802, one base deleted (C; older notation c.802delC).
Protein change: p.Arg268fs; shifts the reading frame from arginine 268.
Molecular consequence: frameshift variant.
Genome position (GRCh38, 1-based): chr11:78,112,746, G deleted on the plus strand (C on the coding strand, the reverse complement: ALG8 is on the minus strand); the first of 3 consecutive G bases (chr11:78,112,746-78,112,748); deleting any one gives the same sequence. VCF-style (leftmost placement, unchanged base first): chr11-78112745-CG-C. GRCh37 (hg19) VCF-style: chr11-77823791-CG-C.
Other names: c.802del, p.Arg268fs (NM_001007027.3); short protein forms R268fs.
Identifiers: ClinVar variation 1437904 (VCV001437904.7), dbSNP rs2136899636, ClinGen allele CA2573147700.
Genomic context (GRCh38, chr11:78,112,745, plus strand): 5'-AAAGCCCAGAAGTTTGGAGCCCAATATGCATGACAGAGGCCCCTCTTGAAAGGAAAGAGT[CG>C]GGAAAAGACTTGAGGCAGCTGATTCTGTTGAAAAGAGAAATGAAACTGATTAAACAGTCA-3'

ClinVar aggregate classification (germline): Pathogenic/Likely pathogenic. Review status: criteria provided, multiple submitters, no conflicts (2 of 4 stars). 2 submissions from 2 submitters: Pathogenic (1); Likely pathogenic (1). Last evaluated 2022-02-09.

Conditions:
ALG8 congenital disorder of glycosylation. Also called: CONGENITAL DISORDER OF GLYCOSYLATION, TYPE Ih; CDG Ih; ALG8-CDG. Identifiers: Orphanet 79325, MedGen C2931002, MONDO:0011969, OMIM 608104.
Polycystic liver disease 3 with or without kidney cysts. Identifiers: MedGen C4693472, MONDO:0054743, OMIM 617874.

Submissions (2):

Labcorp Genetics (formerly Invitae), Labcorp
Classification: Pathogenic for ALG8 congenital disorder of glycosylation. Last evaluated: 2022-02-09. Review status: criteria provided, single submitter. Criteria: Invitae Variant Classification Sherloc (09022015). Collection method: clinical testing. Allele origin: germline.
Comment: For these reasons, this variant has been classified as Pathogenic. This variant has not been reported in the literature in individuals affected with ALG8-related conditions. This variant is not present in population databases (gnomAD no frequency). This sequence change creates a premature translational stop signal (p.Arg268Aspfs*34) in the ALG8 gene. It is expected to result in an absent or disrupted protein product. Loss-of-function variants in ALG8 are known to be pathogenic (PMID: 19862844).

Fulgent Genetics
Classification: Likely pathogenic for ALG8 congenital disorder of glycosylation; Polycystic liver disease 3 with or without kidney cysts. Last evaluated: 2021-11-29. Review status: criteria provided, single submitter. Criteria: ACMG Guidelines, 2015. Collection method: clinical testing. Allele origin: unknown.

Literature cited by the submitters: PubMed 19862844 (cited by Labcorp Genetics (formerly Invitae), Labcorp).